The following is an entry in ClinVar:

ClinVar aggregate classification (germline): Benign/Likely benign. Review status: criteria provided, multiple submitters, no conflicts (2 of 4 stars). 4 submissions from 4 submitters: Benign (3); Likely benign (1). Last evaluated 2026-08-01.

Conditions:
Monilethrix. Also called: Beaded hair. Identifiers: Orphanet 573, MedGen C0546966, MONDO:0008009, HP:0032470.

Allele frequency attached by ClinVar (database versions not stated): gnomAD 0.00302 and 0.00309; ESP Exome Variant Server 0.00309; TOPMed 0.00323; 1000 Genomes Project 30x 0.00406; 1000 Genomes Project 0.00439.

Submissions (4):

CeGaT Center for Human Genetics Tuebingen
Classification: Likely benign. Last evaluated: 2026-08-01. Review status: criteria provided, single submitter. Criteria: CeGaT Center For Human Genetics Tuebingen Variant Classification Criteria Version 2. Collection method: clinical testing. Allele origin: germline. Affected: yes. Observed: 2 variant alleles.
Comment: KRT83: BP4, BP7, BS2

Labcorp Genetics (formerly Invitae), Labcorp
Classification: Benign. Last evaluated: 2025-12-25. Review status: criteria provided, single submitter. Criteria: Invitae Variant Classification Sherloc (09022015). Collection method: clinical testing. Allele origin: germline.

Illumina Laboratory Services, Illumina
Classification: Benign for Monilethrix-1. Last evaluated: 2018-01-12. Review status: criteria provided, single submitter. Criteria: ICSL Variant Classification Criteria 13 December 2019. Collection method: clinical testing. Allele origin: germline.
Comment: This variant was observed in the ICSL laboratory as part of a predisposition screen in an ostensibly healthy population. It had not been previously curated by ICSL or reported in the Human Gene Mutation Database (HGMD: prior to June 1st, 2018), and was therefore a candidate for classification through an automated scoring system. Utilizing variant allele frequency, disease prevalence and penetrance estimates, and inheritance mode, an automated score was calculated to assess if this variant is too frequent to cause the disease. Based on the score and internal cut-off values, a variant classified as benign is not then subjected to further curation. The score for this variant resulted in a classification of benign for this disease.

Breakthrough Genomics
Classification: Benign. Review status: criteria provided, single submitter. Criteria: ACMG Guidelines, 2015. Collection method: not provided. Allele origin: germline. Inheritance: Autosomal recessive inheritance. Affected: yes.

NM_002282.3(KRT83):c.1338C>T (p.Cys446=)

Gene: KRT83 (keratin 83; minus strand). Cytogenetic location: 12q13.13.
Variant type: single nucleotide variant.
Coding change: c.1338C>T on transcript NM_002282.3 (MANE Select); coding-DNA position 1338, C replaced by T.
Protein change: p.Cys446=; no amino-acid change (cysteine 446 retained).
Molecular consequence: synonymous variant.
Genome position (GRCh38, 1-based): chr12:52,314,775, G>A on the plus strand (C>T on the coding strand, the complement: KRT83 is on the minus strand). VCF-style: chr12-52314775-G-A. GRCh37 (hg19) VCF-style: chr12-52708559-G-A.
Identifiers: ClinVar variation 309498 (VCV000309498.33), dbSNP rs11836080, ClinGen allele CA6577276.